The following is an entry in ClinVar:

ClinVar aggregate classification (germline): Likely benign (0 of 4 stars; one submission).

Conditions:
ADCY3-related disorder. Also called: ADCY3-related condition.

gnomAD v4.1: 12 of 1,613,766 alleles (0.00074%); highest among the groups gnomAD compares: Non-Finnish European, 0.00093%; no homozygotes.

Submission:

PreventionGenetics, part of Exact Sciences
Classification: Likely benign for ADCY3-related condition. Last evaluated: 2021-05-03. Review status: no assertion criteria provided. Collection method: clinical testing. Allele origin: germline.
Comment: This variant is classified as likely benign based on ACMG/AMP sequence variant interpretation guidelines (Richards et al. 2015 PMID: 25741868, with internal and published modifications).

NM_004036.5(ADCY3):c.1731G>A (p.Val577=)

Gene: ADCY3 (adenylate cyclase 3; minus strand). Cytogenetic location: 2p23.3.
Variant type: single nucleotide variant.
Coding change: c.1731G>A on transcript NM_004036.5 (MANE Select); coding-DNA position 1731, G replaced by A.
Protein change: p.Val577=; no amino-acid change (valine 577 retained).
Molecular consequence: synonymous variant.
Genome position (GRCh38, 1-based): chr2:24,834,868, C>T on the plus strand (G>A on the coding strand, the complement: ADCY3 is on the minus strand). VCF-style: chr2-24834868-C-T. GRCh37 (hg19) VCF-style: chr2-25057737-C-T.
Other names: c.1731G>A, p.Val577= (NM_001320613.2, NM_001377129.1, NM_001377130.1 and 1 more transcripts); c.1797G>A, p.Val599= (NM_001377128.1); c.1008G>A, p.Val336= (NM_001377131.1).
Identifiers: ClinVar variation 3357170 (VCV003357170.1).